The following is an entry in ClinVar:

NM_206965.2(FTCD):c.1615C>T (p.Arg539Trp)

Gene: FTCD (formimidoyltransferase cyclodeaminase; minus strand). Cytogenetic location: 21q22.3.
Variant type: single nucleotide variant.
Coding change: c.1615C>T on transcript NM_206965.2 (MANE Select); coding-DNA position 1615, C replaced by T.
Protein change: p.Arg539Trp; replaces arginine 539 with tryptophan.
Molecular consequence: missense variant.
Genome position (GRCh38, 1-based): chr21:46,136,998, G>A on the plus strand (C>T on the coding strand, the complement: FTCD is on the minus strand). VCF-style: chr21-46136998-G-A. GRCh37 (hg19) VCF-style: chr21-47556912-G-A.
Other names: c.1595C>T, p.Pro532Leu (NM_001320412.2); c.1615C>T, p.Arg539Trp (NM_006657.3); short protein forms P532L, R539W.
Identifiers: ClinVar variation 958004 (VCV000958004.9), dbSNP rs756994444, ClinGen allele CA10073310.

ClinVar aggregate classification (germline): Uncertain significance. Review status: criteria provided, multiple submitters, no conflicts (2 of 4 stars). 2 submissions from 2 submitters: Uncertain significance (2). Last evaluated 2023-12-21.

Conditions:
Inborn genetic diseases. Identifiers: MedGen C0950123, MeSH D030342.
Glutamate formiminotransferase deficiency. Also called: Arakawa syndrome 1; Formiminoglutamic aciduria. Identifiers: Orphanet 51208, MedGen C0268609, MONDO:0009240, OMIM 229100.

Allele frequency attached by ClinVar (database versions not stated): TOPMed 0.00003.
gnomAD v4.1: 29 of 1,613,228 alleles (0.0018%); highest among the groups gnomAD compares: South Asian, 0.0055%; no homozygotes.

Submissions (2):

Labcorp Genetics (formerly Invitae), Labcorp
Classification: Uncertain significance for Glutamate formiminotransferase deficiency. Last evaluated: 2023-12-21. Review status: criteria provided, single submitter. Criteria: Invitae Variant Classification Sherloc (09022015). Collection method: clinical testing. Allele origin: germline.
Comment: This sequence change replaces arginine, which is basic and polar, with tryptophan, which is neutral and slightly polar, at codon 539 of the FTCD protein (p.Arg539Trp). This variant is present in population databases (rs756994444, gnomAD 0.01%). This variant has not been reported in the literature in individuals affected with FTCD-related conditions. ClinVar contains an entry for this variant (Variation ID: 958004). An algorithm developed to predict the effect of missense changes on protein structure and function (PolyPhen-2) suggests that this variant is likely to be disruptive. In summary, the available evidence is currently insufficient to determine the role of this variant in disease. Therefore, it has been classified as a Variant of Uncertain Significance.

Ambry Genetics
Classification: Uncertain significance for Inborn genetic diseases. Last evaluated: 2022-08-30. Review status: criteria provided, single submitter. Criteria: Ambry Variant Classification Scheme 2023. Collection method: clinical testing. Allele origin: germline.